The following is an entry in ClinVar:

ClinVar aggregate classification (germline): Uncertain significance (1 of 4 stars; one submission).

Conditions:
Autosomal dominant polycystic kidney disease. Identifiers: Orphanet 730, MedGen C0085413, MONDO:0004691.

gnomAD v4.1: 1 of 1,614,020 alleles (0.000062%); highest among the groups gnomAD compares: Non-Finnish European, 0.000085%; no homozygotes.

Submission:

Labcorp Genetics (formerly Invitae), Labcorp
Classification: Uncertain significance for Autosomal dominant polycystic kidney disease. Last evaluated: 2025-06-27. Review status: criteria provided, single submitter. Criteria: Invitae Variant Classification Sherloc (09022015). Collection method: clinical testing. Allele origin: germline.
Comment: This sequence change replaces proline, which is neutral and non-polar, with serine, which is neutral and polar, at codon 806 of the PKD2 protein (p.Pro806Ser). This variant is present in population databases (no rsID available, gnomAD 0.0009%). This variant has not been reported in the literature in individuals affected with PKD2-related conditions. ClinVar contains an entry for this variant (Variation ID: 2013008). Invitae Evidence Modeling of protein sequence and biophysical properties (such as structural, functional, and spatial information, amino acid conservation, physicochemical variation, residue mobility, and thermodynamic stability) indicates that this missense variant is not expected to disrupt PKD2 protein function with a negative predictive value of 80%. In summary, the available evidence is currently insufficient to determine the role of this variant in disease. Therefore, it has been classified as a Variant of Uncertain Significance.

NM_000297.4(PKD2):c.2416C>T (p.Pro806Ser)

Gene: PKD2 (polycystin 2, transient receptor potential cation channel; plus strand). Cytogenetic location: 4q22.1.
Variant type: single nucleotide variant.
Coding change: c.2416C>T on transcript NM_000297.4 (MANE Select); coding-DNA position 2416, C replaced by T.
Protein change: p.Pro806Ser; replaces proline 806 with serine.
Molecular consequence: missense variant. On other transcripts: non-coding transcript variant (1).
Genome position (GRCh38, 1-based): chr4:88,067,955, C>T. VCF-style: chr4-88067955-C-T. GRCh37 (hg19) VCF-style: chr4-88989107-C-T.
Other names: short protein forms P806S.
Identifiers: ClinVar variation 2013008 (VCV002013008.4), dbSNP rs1402044417, ClinGen allele CA357626727.
Genomic context (GRCh38, chr4:88,067,955, plus strand): 5'-CAGGAGGACCTGGATTTGGATCACAGTTCTTTACCACGTCCCATGAGCAGCCGAAGTTTC[C>T]CTCGAAGCCTGGATGACTCTGAGGAGGATGACGATGAAGATAGCGGACATAGCTCCAGAA-3'
Protein context (NP_000288.1, residues 796-816): LPRPMSSRSF[Pro806Ser]RSLDDSEEDD